The following is an entry in ClinVar:

Conditions:
Long QT syndrome 5 (LQT5). Identifiers: Orphanet 101016, Orphanet 768, MedGen C1867904, MONDO:0013372, OMIM 613695.

Submission:

Roden Lab, Vanderbilt University Medical Center
No classification provided (evidence only). Condition: Long QT syndrome 5. Review status: no classification provided. Collection method: in vitro. Allele origin: not applicable. Functional consequence: Effect on ion channel function.
ClinVar note: "not provided" was previously submitted as the classification for the variant. However, the classification appeared to be based only on an observation of functional data so it was converted to no classification on 2025-07-30.

NM_000219.6(KCNE1):c.25G>T (p.Val9Leu)

Gene: KCNE1 (potassium voltage-gated channel subfamily E regulatory subunit 1; minus strand). Cytogenetic location: 21q22.12.
Variant type: single nucleotide variant.
Coding change: c.25G>T on transcript NM_000219.6 (MANE Select); coding-DNA position 25, G replaced by T.
Protein change: p.Val9Leu; replaces valine 9 with leucine.
Molecular consequence: missense variant.
Genome position (GRCh38, 1-based): chr21:34,449,610, C>A on the plus strand (G>T on the coding strand, the complement: KCNE1 is on the minus strand). VCF-style: chr21-34449610-C-A. GRCh37 (hg19) VCF-style: chr21-35821908-C-A.
Other names: c.25G>T, p.Val9Leu (NM_001127668.4, NM_001127669.4, NM_001127670.4 and 4 more transcripts); short protein forms V9L.
Identifiers: ClinVar variation 3374453 (VCV003374453.2).